The following is an entry in ClinVar:

ClinVar aggregate classification (germline): Uncertain significance (1 of 4 stars; one submission).

Conditions:
Intellectual developmental disorder, X-linked 21. Also called: Intellectual disability, X-linked 21; MENTAL RETARDATION, X-LINKED 34; Mental retardation, X-linked 21/34. Identifiers: Orphanet 777, MedGen C5551510, MONDO:0010256, OMIM 300143.

Allele frequency attached by ClinVar (database versions not stated): TOPMed 0.00002.
gnomAD v4.1: 1 of 1,208,698 alleles (0.000083%); highest among the groups gnomAD compares: African/African-American, 0.0017%; no homozygotes.

Submission:

New York Genome Center
Classification: Uncertain significance for Intellectual developmental disorder, X-linked 21. Last evaluated: 2021-02-09. Review status: criteria provided, single submitter. Criteria: NYGC Assertion Criteria 2020. Collection method: clinical testing. Allele origin: inherited. Observed: 1 hemizygote. Study: CSER-NYCKidSeq.
Comment: This variant is absent from gnomAD(v3.1), suggesting it is not a common benign variant in the populations represented in that database. In silico algorithms do not agree on the effect of this variant, as it is predicted both Deleterious (SIFT; score: 0.019) and Benign (REVEL; score: 0.1879) to the function of the canonical transcript. This variant is absent from ClinVar and to our current knowledge has not been reported in affected individuals in the literature. The p.Tyr150 residue is within the Ig-like C2-type 2 domain of IL1RAPL1 (UniProtKB:Q9NZ ̃1). The hemizygous, maternally inherited c.448T>G (p.Tyr150Asp) variant identified in the IL1RAPL1 gene is reported as a Variant of Uncertain Significance.

NM_014271.4(IL1RAPL1):c.448T>G (p.Tyr150Asp)

Gene: IL1RAPL1 (interleukin 1 receptor accessory protein like 1; plus strand). Cytogenetic location: Xp21.2.
Variant type: single nucleotide variant.
Coding change: c.448T>G on transcript NM_014271.4 (MANE Select); coding-DNA position 448, T replaced by G.
Protein change: p.Tyr150Asp; replaces tyrosine 150 with aspartic acid.
Molecular consequence: missense variant.
Genome position (GRCh38, 1-based): chrX:29,396,343, T>G. VCF-style: chrX-29396343-T-G. GRCh37 (hg19) VCF-style: chrX-29414460-T-G.
Other names: short protein forms Y150D.
Identifiers: ClinVar variation 1341849 (VCV001341849.1), dbSNP rs1933918841, ClinGen allele CA412632199.
Genomic context (GRCh38, chrX:29,396,343, plus strand): 5'-TCCATCTCACTGACAGTGGGTGAAAATGACACTGGACTCTGCTATAATTCCAAGATGAAG[T>G]ATTTTGAAAAAGCTGAACTTAGCAAAAGCAAGGAAATTTCATGCCGTGACATAGAGGATT-3'
Protein context (NP_055086.1, residues 140-160): TGLCYNSKMK[Tyr150Asp]FEKAELSKSK